The following is an entry in ClinVar:

ClinVar aggregate classification (germline): Pathogenic. Review status: criteria provided, multiple submitters, no conflicts (2 of 4 stars). 8 submissions from 8 submitters: Pathogenic (7). 1 of the submissions does not count toward it. Last evaluated 2026-09-07.

Conditions:
Inherited breast cancer and ovarian cancer.
Hereditary cancer-predisposing syndrome. Also called: Hereditary Cancer Syndrome; Hereditary neoplastic syndrome; Neoplastic Syndromes, Hereditary; Tumor predisposition. Identifiers: Orphanet 140162, MedGen C0027672, MeSH D009386, MONDO:0015356.
Hereditary breast ovarian cancer syndrome. Also called: BRCA1- and BRCA2-Associated Hereditary Breast and Ovarian Cancer; Hereditary breast and ovarian cancer syndrome; Hereditary breast and ovarian cancer syndrome (HBOC); Breast and ovarian cancer; Hereditary breast and/or ovarian cancer syndrome; Hereditary breast and ovarian cancer. Identifiers: Orphanet 145, MedGen C0677776, MeSH D061325, MONDO:0003582. Disease mechanism: loss of function.
Breast-ovarian cancer, familial, susceptibility to, 1 (BROVCA1). Also called: BRCA1 Hereditary Breast and Ovarian Cancer; OVARIAN CANCER, SUSCEPTIBILITY TO. Identifiers: Orphanet 145, MedGen C2676676, MONDO:0011450, OMIM 604370. Disease mechanism: loss of function.

Allele frequency attached by ClinVar (database versions not stated): gnomAD exomes below 0.00001.
gnomAD v4.1: 1 of 1,613,600 alleles (0.000062%); highest among the groups gnomAD compares: South Asian, 0.0011%; no homozygotes.

Submissions (9):

Cambridge Genomics Laboratory, East Genomic Laboratory Hub, NHS Genomic Medicine Service
Classification: Pathogenic for Inherited breast cancer and ovarian cancer. Last evaluated: 2026-09-07. Review status: criteria provided, single submitter. Criteria: ACGS Best Practice Guidelines for Variant Classification in Rare Disease 2020. Collection method: clinical testing. Allele origin: germline. Affected: yes.
Comment: PVS1,PM2_Supporting,PP4_Moderate

Labcorp Genetics (formerly Invitae), Labcorp
Classification: Pathogenic for Hereditary breast ovarian cancer syndrome. Last evaluated: 2025-08-07. Review status: criteria provided, single submitter. Criteria: Invitae Variant Classification Sherloc (09022015). Collection method: clinical testing. Allele origin: germline.
Comment: This sequence change affects an acceptor splice site in intron 19 of the BRCA1 gene. RNA analysis indicates that disruption of this splice site induces altered splicing and may result in an absent or altered protein product. This variant is not present in population databases (gnomAD no frequency). Disruption of this splice site has been observed in individual(s) with breast and/or ovarian cancer (PMID: 9333265, 23239986, 26187060, 29446198, 29470806). This variant is also known as IVS20-1G>A. ClinVar contains an entry for this variant (Variation ID: 55500). Studies have shown that disruption of this splice site alters mRNA splicing and is expected to lead to the loss of protein expression (PMID: 23239986, 30209399). For these reasons, this variant has been classified as Pathogenic.

Women's Health and Genetics/Laboratory Corporation of America, LabCorp
Classification: Pathogenic for Hereditary breast ovarian cancer syndrome. Last evaluated: 2024-09-16. Review status: criteria provided, single submitter. Criteria: LabCorp Variant Classification Summary - May 2015. Collection method: clinical testing. Allele origin: germline.
Comment: Variant summary: BRCA1 c.5278-1G>A is located in a canonical splice-site and is predicted to affect mRNA splicing resulting in a significantly altered protein due to either exon skipping, shortening, or inclusion of intronic material. Variants that disrupt the consensus splice site are a relatively common cause of aberrant splicing and loss of BRCA1 function. Several computational tools predict a significant impact on normal splicing: Four predict the variant abolishes a 3' acceptor site. At least one publication reports experimental evidence that this variant affects mRNA splicing (e.g., Wappenschmidt_2012). The variant was absent in 251146 control chromosomes. c.5278-1G>A has been reported in the literature in multiple individuals affected with Hereditary Breast And Ovarian Cancer Syndrome (e..g, Shattuck-Eidens_1997, Rebbeck_2018). These data indicate that the variant is likely to be associated with disease.At least one functional study reports experimental evidence evaluating an impact on protein function and showed a loss-of-function effect of this variant on homology directed repair (HDR) activity (e.g. Findlay_2018). HDR assays qualify as a recognized gold standard on the basis of updated guidance provided by the ClinGen Sequence Variant Interpretation (SVI) working group. The following publications have been ascertained in the context of this evaluation (PMID: 30209399, 29446198, 9333265, 23239986). ClinVar contains an entry for this variant (Variation ID: 55500). Based on the evidence outlined above, the variant was classified as pathogenic.

German Consortium for Hereditary Breast and Ovarian Cancer, University Hospital Cologne
Classification: Pathogenic for Hereditary breast ovarian cancer syndrome. Last evaluated: 2024-01-08. Review status: criteria provided, single submitter. Criteria: ClinGen BRCA1 V1.0.0. Collection method: curation. Allele origin: germline.
Comment: PVS1_RNA; PM2_sup;. According to the ClinGen ENIGMA BRCA1 v1.0.0 criteria we chose these criteria: PVS1 (very strong pathogenic): PVS1 (RNA) , PS3 (strong pathogenic): Intronic variant, functional data considered only from assays that measure effect via mRNA and protein. Reported by one calibrated study incorporating mRNA splicing effects to affect protein function similar to pathogenic control variants (PMID:30209399) (PS3 met)., PM2 (supporting pathogenic): not in gnomAD

Color Diagnostics, LLC DBA Color Health
Classification: Pathogenic for Hereditary cancer-predisposing syndrome. Last evaluated: 2020-12-08. Review status: criteria provided, single submitter. Criteria: ACMG Guidelines, 2015. Collection method: clinical testing. Allele origin: germline.
Comment: This variant causes a G to A nucleotide substitution at the -1 position of intron 19 of the BRCA1 gene. RNA studies using RT-PCR on carrier-derived RNA have reported partial and complete skipping of exon 20, causing frameshift in the open reading frame (PMID: 23239986, 27886673). A functional study reported this variant as loss-of-function in a human haploid cell proliferation assay (PMID: 30209399). This variant has been reported in multiple individuals and families affected with breast and ovarian cancer (PMID: 9333265, 18092194, 23239986, 26187060, 27886673, 29470806). This variant has not been identified in the general population by the Genome Aggregation Database (gnomAD). Loss of BRCA1 function is a known mechanism of disease. Based on the available evidence, this variant is classified as Pathogenic.

Ambry Genetics
Classification: Pathogenic for Hereditary cancer-predisposing syndrome. Last evaluated: 2018-09-18. Review status: criteria provided, single submitter. Criteria: Ambry Variant Classification Scheme 2023. Collection method: clinical testing. Allele origin: germline.
Comment: The c.5278-1G>A intronic pathogenic mutation results from a G to A substitution one nucleotide upstream from coding exon 19 of the BRCA1 gene. This mutation has been detected in multiple breast and/or ovarian cancer families and two independent splicing analyses have demonstrated aberrant splicing (Shattuck-Eidens D et al. JAMA. 1997 Oct 15;278(15):1242-50; Wappenschmidt B et al. PLoS One. 2012;7(12):e50800; Rodriguez-Balada M et al. Cancer Genet. 2016 Nov;209(11):487-492). Of note, this alteration is described as IVS20-1G>A in published literature. In addition to the clinical data presented in the literature, alterations that disrupt the canonical splice site are expected to cause aberrant splicing, resulting in an abnormal protein or a transcript that is subject to nonsense-mediated mRNA decay. As such, this alteration is classified as a disease-causing mutation.

Consortium of Investigators of Modifiers of BRCA1/2 (CIMBA), c/o University of Cambridge
Classification: Pathogenic for Breast-ovarian cancer, familial, susceptibility to, 1. Last evaluated: 2015-10-02. Review status: criteria provided, single submitter. Criteria: CIMBA Mutation Classification guidelines May 2016. Collection method: clinical testing. Allele origin: germline.

Breast Cancer Information Core (BIC) (BRCA1)
Classification: Pathogenic for Breast-ovarian cancer, familial 1. Last evaluated: 1999-06-21. Review status: no assertion criteria provided. Collection method: clinical testing. Allele origin: germline. Affected: yes. Observed: 3 variant alleles. Not counted in ClinVar's aggregate classification.

Brotman Baty Institute, University of Washington
No classification provided (evidence only). Condition: Breast-ovarian cancer, familial 1. Review status: no classification provided. Collection method: in vitro. Allele origin: not applicable. Functional consequence: functionally_abnormal. Not counted in ClinVar's aggregate classification.
ClinVar note: "not provided" was previously submitted as the classification for the variant. However, the classification appeared to be based only on an observation of functional data so it was converted to no classification on 2025-07-30.

Literature cited by the submitters: PubMed 9333265 (cited by Labcorp Genetics (formerly Invitae), Labcorp and Women's Health and Genetics/Laboratory Corporation of America, LabCorp); PubMed 23239986 (cited by Labcorp Genetics (formerly Invitae), Labcorp and Women's Health and Genetics/Laboratory Corporation of America, LabCorp); PubMed 26187060 (cited by Labcorp Genetics (formerly Invitae), Labcorp); PubMed 29446198 (cited by Labcorp Genetics (formerly Invitae), Labcorp and Women's Health and Genetics/Laboratory Corporation of America, LabCorp); PubMed 29470806 (cited by Labcorp Genetics (formerly Invitae), Labcorp); PubMed 30209399 (cited by Labcorp Genetics (formerly Invitae), Labcorp and Women's Health and Genetics/Laboratory Corporation of America, LabCorp).

NM_007294.4(BRCA1):c.5278-1G>A

Gene: BRCA1 (BRCA1 DNA repair associated; minus strand). Cytogenetic location: 17q21.31.
Variant type: single nucleotide variant.
Coding change: c.5278-1G>A on transcript NM_007294.4 (MANE Select); the canonical splice acceptor site of the intron before coding-DNA position 5278, G replaced by A.
Molecular consequence: splice acceptor variant. On other transcripts: intron variant (2).
Genome position (GRCh38, 1-based): chr17:43,051,118, C>T on the plus strand (G>A on the coding strand, the complement: BRCA1 is on the minus strand). VCF-style: chr17-43051118-C-T. GRCh37 (hg19) VCF-style: chr17-41203135-C-T.
Other names: IVS20-1G>A; c.4897-1G>A (NM_001407959.1); c.5011-1G>A (NM_001407931.1, NM_001407929.1, NM_001407932.1 and 4 more transcripts); c.5134-1G>A (NM_001407747.1, NM_001407745.1, NM_001407737.1 and 21 more transcripts); c.4894-1G>A (NM_001407962.1, NM_001407960.1); c.1465-1G>A (NM_001408512.1); c.1588-1G>A (NM_001408510.1); c.5068-1G>A (NM_001407885.1, NM_001407886.1, NM_001407881.1 and 5 more transcripts); and 75 more.
Identifiers: ClinVar variation 55500 (VCV000055500.63), dbSNP rs80358099, ClinGen allele CA003432.